The following is an entry in ClinVar:

NM_001349338.3(FOXP1):c.1146+1G>T

Gene: FOXP1 (forkhead box P1; minus strand). Cytogenetic location: 3p13.
Variant type: single nucleotide variant.
Coding change: c.1146+1G>T on transcript NM_001349338.3 (MANE Select); the canonical splice donor site of the intron after coding-DNA position 1146, G replaced by T.
Molecular consequence: splice donor variant.
Genome position (GRCh38, 1-based): chr3:70,987,993, C>A on the plus strand (G>T on the coding strand, the complement: FOXP1 is on the minus strand). VCF-style: chr3-70987993-C-A. GRCh37 (hg19) VCF-style: chr3-71037144-C-A.
Other names: c.846+1G>T (NM_001244813.3, NM_001349342.3, NM_001370548.1 and 1 more transcripts); c.1146+1G>T (NM_001244810.2, NM_032682.6, NM_001349340.3 and 3 more transcripts); c.1143+1G>T (NM_001349341.3); c.918+1G>T (NM_001244812.3); c.843+1G>T (NM_001349343.3, NM_001349337.2, NM_001349344.3).
Identifiers: ClinVar variation 643127 (VCV000643127.6), dbSNP rs1559650552, ClinGen allele CA353494581.

ClinVar aggregate classification (germline): Pathogenic (1 of 4 stars; one submission).

Submission:

Labcorp Genetics (formerly Invitae), Labcorp
Classification: Pathogenic. Last evaluated: 2024-11-21. Review status: criteria provided, single submitter. Criteria: Invitae Variant Classification Sherloc (09022015). Collection method: clinical testing. Allele origin: germline.
Comment: This sequence change affects a donor splice site in intron 14 of the FOXP1 gene. It is expected to disrupt RNA splicing. Variants that disrupt the donor or acceptor splice site typically lead to a loss of protein function (PMID: 16199547), and loss-of-function variants in FOXP1 are known to be pathogenic (PMID: 28735298). This variant is not present in population databases (gnomAD no frequency). Disruption of this splice site has been observed in individual(s) with FOXP1-related intellectual disability (PMID: 25533962; internal data). In at least one individual the variant was observed to be de novo. ClinVar contains an entry for this variant (Variation ID: 643127). Algorithms developed to predict the effect of sequence changes on RNA splicing suggest that this variant may disrupt the consensus splice site. For these reasons, this variant has been classified as Pathogenic.

Literature cited by the submitters: PubMed 16199547; PubMed 28735298; PubMed 25533962.